The following is an entry in ClinVar:

ClinVar aggregate classification (germline): Uncertain significance (1 of 4 stars; one submission).

Allele frequency attached by ClinVar (database versions not stated): gnomAD exomes below 0.00001.
gnomAD v4.1: 4 of 1,613,502 alleles (0.00025%); highest among the groups gnomAD compares: Non-Finnish European, 0.00034%; no homozygotes.

Submission:

Genetic Services Laboratory, University of Chicago
Classification: Uncertain significance. Last evaluated: 2020-04-29. Review status: criteria provided, single submitter. Criteria: ACMG Guidelines, 2015. Collection method: clinical testing. Allele origin: germline. Affected: no.
Comment: DNA sequence analysis of the PMS1 gene demonstrated a sequence change, c.1220T>G, which results in the creation of a premature stop codon at amino acid position 407, p.Leu407*. This sequence change is predicted to result in an abnormal transcript, which may be degraded, or may lead to the production of a truncated PMS1 protein with potentially abnormal function. This sequence change is a novel sequence change that has not been described in the population databases (ExAC and gnomAD). This sequence change has not been previously described in patients with colorectal cancer or other cancer phenotypes. Other truncating sequence changes in this gene have been described in patients with colorectal cancer and breast cancer but extensive family studies were not performed (PMIDs: 8072530, 11691795, 28724667). Due to the lack of functional studies, the clinical significance of this variant remains unknown at this time.

NM_000534.5(PMS1):c.1220T>G (p.Leu407Ter)

Gene: PMS1 (PMS1 homolog 1, mismatch repair system component; plus strand). Cytogenetic location: 2q32.2.
Variant type: single nucleotide variant.
Coding change: c.1220T>G on transcript NM_000534.5 (MANE Select); coding-DNA position 1220, T replaced by G.
Protein change: p.Leu407Ter; replaces leucine 407 with a stop codon.
Molecular consequence: nonsense. On other transcripts: non-coding transcript variant (1).
Genome position (GRCh38, 1-based): chr2:189,854,492, T>G. VCF-style: chr2-189854492-T-G. GRCh37 (hg19) VCF-style: chr2-190719218-T-G.
Other names: c.1103T>G, p.Leu368Ter (NM_001128143.2, NM_001321044.2); c.1220T>G, p.Leu407Ter (NM_001128144.2, NM_001321045.2, NM_001321047.2 and 1 more transcripts); c.692T>G, p.Leu231Ter (NM_001289408.2, NM_001289409.2); c.1037T>G, p.Leu346Ter (NM_001321046.2); short protein forms L231*, L346*, L368*, L407*.
Identifiers: ClinVar variation 1338580 (VCV001338580.4), dbSNP rs2106461397, ClinGen allele CA349877643.
Genomic context (GRCh38, chr2:189,854,492, plus strand): 5'-TCATTCCATTCCAAAATGATATGCATAATGATGAATCTGGAAAAAACACTGATGATTGTT[T>G]AAATCACCAGATAAGTATTGGTGACTTTGGTTATGGTCATTGTAGTAGTGAAATTTCTAA-3'